The following is an entry in ClinVar:

ClinVar aggregate classification (germline): Uncertain significance. Review status: criteria provided, multiple submitters, no conflicts (2 of 4 stars). 2 submissions from 2 submitters: Uncertain significance (2). Last evaluated 2020-03-04.

Conditions:
Familial thoracic aortic aneurysm and aortic dissection (TAAD). Also called: Thoracic aortic aneurysms and dissections. Identifiers: Orphanet 91387, MedGen C4707243, MONDO:0019625.

Submissions (2):

Color Diagnostics, LLC DBA Color Health
Classification: Uncertain significance for Familial thoracic aortic aneurysm and aortic dissection. Last evaluated: 2020-03-04. Review status: criteria provided, single submitter. Criteria: ACMG Guidelines, 2015. Collection method: clinical testing. Allele origin: germline.
Comment: This missense variant replaces asparagine with serine at codon 2356 of the FBN1 protein. Computational prediction suggests that this variant may not impact protein structure and function (internally defined REVEL score threshold <= 0.5, PMID: 27666373). Splice site prediction tools suggest that this variant may not impact RNA splicing. To our knowledge, functional studies have not been reported for this variant. This variant has not been reported in individuals affected with cardiovascular disorders in the literature. This variant has not been identified in the general population by the Genome Aggregation Database (gnomAD). The available evidence is insufficient to determine the role of this variant in disease conclusively. Therefore, this variant is classified as a Variant of Uncertain Significance.

Ambry Genetics
Classification: Uncertain significance for Familial thoracic aortic aneurysm and aortic dissection. Last evaluated: 2015-01-30. Review status: criteria provided, single submitter. Criteria: Ambry Variant Classification Scheme 2023. Collection method: clinical testing. Allele origin: germline.
Comment: The p.N2356S variant (also known as c.7067A>G), located in coding exon 57 of the FBN1 gene, results from an A to G substitution at nucleotide position 7067. The asparagine at codon 2356 is replaced by serine, an amino acid with highly similar properties. This variant was not reported in population based cohorts in the following databases: Database of Single Nucleotide Polymorphisms (dbSNP), NHLBI Exome Sequencing Project (ESP), and 1000 Genomes Project. In the ESP, this variant was not observed in 6494 samples (12988 alleles) with coverage at this position. This amino acid position is well conserved in available vertebrate species. In addition, this alteration is predicted to be tolerated by in silico analysis. Since supporting evidence is limited at this time, the clinical significance of this variant remains unclear.

NM_000138.5(FBN1):c.7067A>G (p.Asn2356Ser)

Gene: FBN1 (fibrillin 1; minus strand). Cytogenetic location: 15q21.1.
Variant type: single nucleotide variant.
Coding change: c.7067A>G on transcript NM_000138.5 (MANE Select); coding-DNA position 7067, A replaced by G.
Protein change: p.Asn2356Ser; replaces asparagine 2356 with serine.
Molecular consequence: missense variant.
Genome position (GRCh38, 1-based): chr15:48,427,704, T>C on the plus strand (A>G on the coding strand, the complement: FBN1 is on the minus strand). VCF-style: chr15-48427704-T-C. GRCh37 (hg19) VCF-style: chr15-48719901-T-C.
Other names: short protein forms N2356S.
Identifiers: ClinVar variation 263901 (VCV000263901.8), dbSNP rs886038968, ClinGen allele CA10587793.